The following is an entry in ClinVar:

NM_024570.4(RNASEH2B):c.343C>G (p.Gln115Glu)

Gene: RNASEH2B (ribonuclease H2 subunit B; plus strand). Cytogenetic location: 13q14.3.
Variant type: single nucleotide variant.
Coding change: c.343C>G on transcript NM_024570.4 (MANE Select); coding-DNA position 343, C replaced by G.
Protein change: p.Gln115Glu; replaces glutamine 115 with glutamic acid.
Molecular consequence: missense variant.
Genome position (GRCh38, 1-based): chr13:50,934,906, C>G. VCF-style: chr13-50934906-C-G. GRCh37 (hg19) VCF-style: chr13-51509042-C-G.
Other names: c.343C>G, p.Gln115Glu (NM_001142279.2); short protein forms Q115E.
Identifiers: ClinVar variation 955720 (VCV000955720.7), dbSNP rs1363440628, ClinGen allele CA388259139.

ClinVar aggregate classification (germline): Uncertain significance (1 of 4 stars; one submission).

Conditions:
Aicardi-Goutieres syndrome 2. Identifiers: Orphanet 51, MedGen C3489724, MONDO:0012429, OMIM 610181.

Allele frequency attached by ClinVar (database versions not stated): gnomAD exomes below 0.00001; TOPMed 0.00001.
gnomAD v4.1: 5 of 1,613,214 alleles (0.00031%); highest among the groups gnomAD compares: Admixed American, 0.0017%; no homozygotes.

Submission:

Labcorp Genetics (formerly Invitae), Labcorp
Classification: Uncertain significance for Aicardi-Goutieres syndrome 2. Last evaluated: 2022-08-16. Review status: criteria provided, single submitter. Criteria: Invitae Variant Classification Sherloc (09022015). Collection method: clinical testing. Allele origin: germline.
Comment: In summary, the available evidence is currently insufficient to determine the role of this variant in disease. Therefore, it has been classified as a Variant of Uncertain Significance. Algorithms developed to predict the effect of missense changes on protein structure and function are either unavailable or do not agree on the potential impact of this missense change (SIFT: "Tolerated"; PolyPhen-2: "Probably Damaging"; Align-GVGD: "Class C0"). ClinVar contains an entry for this variant (Variation ID: 955720). This variant has not been reported in the literature in individuals affected with RNASEH2B-related conditions. This variant is present in population databases (no rsID available, gnomAD 0.003%). This sequence change replaces glutamine, which is neutral and polar, with glutamic acid, which is acidic and polar, at codon 115 of the RNASEH2B protein (p.Gln115Glu).